The following is an entry in ClinVar:

ClinVar aggregate classification (germline): Likely pathogenic (1 of 4 stars; one submission).

Submission:

Labcorp Genetics (formerly Invitae), Labcorp
Classification: Likely pathogenic. Last evaluated: 2022-02-17. Review status: criteria provided, single submitter. Criteria: Invitae Variant Classification Sherloc (09022015). Collection method: clinical testing. Allele origin: germline.
Comment: In summary, the currently available evidence indicates that the variant is pathogenic, but additional data are needed to prove that conclusively. Therefore, this variant has been classified as Likely Pathogenic. Algorithms developed to predict the effect of sequence changes on RNA splicing suggest that this variant may disrupt the consensus splice site. ClinVar contains an entry for this variant (Variation ID: 1067680). This variant has not been reported in the literature in individuals affected with IMPG2-related conditions. This variant is not present in population databases (gnomAD no frequency). This sequence change affects a donor splice site in intron 10 of the IMPG2 gene. It is expected to disrupt RNA splicing. Variants that disrupt the donor or acceptor splice site typically lead to a loss of protein function (PMID: 16199547), and loss-of-function variants in IMPG2 are known to be pathogenic (PMID: 20673862).

Literature cited by the submitters: PubMed 16199547; PubMed 20673862.

NM_016247.4(IMPG2):c.1153+1G>A

Gene: IMPG2 (interphotoreceptor matrix proteoglycan 2; minus strand). Cytogenetic location: 3q12.3.
Variant type: single nucleotide variant.
Coding change: c.1153+1G>A on transcript NM_016247.4 (MANE Select); the canonical splice donor site of the intron after coding-DNA position 1153, G replaced by A.
Molecular consequence: splice donor variant.
Genome position (GRCh38, 1-based): chr3:101,257,528, C>T on the plus strand (G>A on the coding strand, the complement: IMPG2 is on the minus strand). VCF-style: chr3-101257528-C-T. GRCh37 (hg19) VCF-style: chr3-100976372-C-T.
Identifiers: ClinVar variation 1067680 (VCV001067680.9), dbSNP rs2107234582, ClinGen allele CA353865230.
Genomic context (GRCh38, chr3:101,257,528, plus strand): 5'-TACACCAGAGCATACTGGAAAAGAAACTATACAAGGACTTCATGATGGATATCAAACTCA[C>T]CATTGATAAGCTGCAGGGAATCAGGATCTGGATTCAAGGAAGAGTTCCCCAGCAAAAAAT-3'